The following is an entry in ClinVar:

NM_031844.3(HNRNPU):c.253dup (p.Glu85fs)

Gene: HNRNPU (heterogeneous nuclear ribonucleoprotein U; minus strand). Cytogenetic location: 1q44.
Variant type: Duplication.
Coding change: c.253dup on transcript NM_031844.3 (MANE Select); coding-DNA position 253, one base duplicated (G; older notation c.253dupG).
Protein change: p.Glu85fs; shifts the reading frame from glutamic acid 85.
Molecular consequence: frameshift variant.
Genome position (GRCh38, 1-based): chr1:244,864,055, C duplicated on the plus strand (G on the coding strand, the reverse complement: HNRNPU is on the minus strand). VCF-style (leftmost placement, unchanged base first): chr1-244864054-T-TC. GRCh37 (hg19) VCF-style: chr1-245027356-T-TC.
Other names: c.253dup, p.Glu85fs (NM_004501.3); c.253dupG (NM_031844.2); short protein forms E85fs.
Identifiers: ClinVar variation 503814 (VCV000503814.2), dbSNP rs1553283982, ClinGen allele CA658795665.

ClinVar aggregate classification (germline): Pathogenic (1 of 4 stars; one submission).

Submission:

GeneDx
Classification: Pathogenic. Last evaluated: 2017-11-07. Review status: criteria provided, single submitter. Criteria: GeneDx Variant Classification (06012015). Collection method: clinical testing. Allele origin: germline. Affected: yes.
Comment: The c.253dupG variant in the HNRNPU gene has not been reported previously as a pathogenic variant nor as a benign variant, to our knowledge. The c.253dupG variant causes a frameshift starting with codon Glutamic acid 85, changes this amino acid to a Glycine residue, and creates a premature Stop codon at position 60 of the new reading frame, denoted p.Glu85GlyfsX60. This variant is predicted to cause loss of normal protein function either through protein truncation or nonsense-mediated mRNA decay. The c.253dupG variant is not observed in large population cohorts (Lek et al., 2016). We interpret c.253dupG as a pathogenic variant.